The following is an entry in ClinVar:

ClinVar aggregate classification (germline): Pathogenic (1 of 4 stars; one submission).

Submission:

Labcorp Genetics (formerly Invitae), Labcorp
Classification: Pathogenic. Last evaluated: 2025-04-26. Review status: criteria provided, single submitter. Criteria: Invitae Variant Classification Sherloc (09022015). Collection method: clinical testing. Allele origin: germline.
Comment: This sequence change creates a premature translational stop signal (p.Glu2384Argfs*29) in the TRIO gene. It is expected to result in an absent or disrupted protein product. Loss-of-function variants in TRIO are known to be pathogenic (PMID: 26721934). The frequency data for this variant in the population databases is considered unreliable, as metrics indicate poor data quality at this position in the gnomAD database. This variant has not been reported in the literature in individuals affected with TRIO-related conditions. For these reasons, this variant has been classified as Pathogenic.

Literature cited by the submitters: PubMed 26721934.

NM_007118.4(TRIO):c.7149del (p.Glu2384fs)

Gene: TRIO (trio Rho guanine nucleotide exchange factor; plus strand). Cytogenetic location: 5p15.2.
Variant type: Deletion.
Coding change: c.7149del on transcript NM_007118.4 (MANE Select); coding-DNA position 7149, one base deleted (C; older notation c.7149delC).
Protein change: p.Glu2384fs; shifts the reading frame from glutamic acid 2384.
Molecular consequence: frameshift variant.
Genome position (GRCh38, 1-based): chr5:14,487,777, C deleted; the last of 5 consecutive C bases (chr5:14,487,773-14,487,777); deleting any one gives the same sequence. VCF-style (leftmost placement, unchanged base first): chr5-14487772-GC-G. GRCh37 (hg19) VCF-style: chr5-14487881-GC-G.
Other names: short protein forms E2384fs.
Identifiers: ClinVar variation 4718333 (VCV004718333.1).